The following is an entry in ClinVar:

NM_002693.3(POLG):c.583C>A (p.Leu195Met)

Genes: POLG (DNA polymerase gamma, catalytic subunit; minus strand), POLGARF (POLG alternative reading frame; minus strand). Cytogenetic location: 15q26.1.
Variant type: single nucleotide variant.
Coding change: c.583C>A on transcript NM_002693.3 (MANE Select); coding-DNA position 583, C replaced by A.
Protein change: p.Leu195Met; replaces leucine 195 with methionine.
Molecular consequence: missense variant.
Genome position (GRCh38, 1-based): chr15:89,333,172, G>T on the plus strand (C>A on the coding strand, the complement: POLG is on the minus strand). VCF-style: chr15-89333172-G-T. GRCh37 (hg19) VCF-style: chr15-89876403-G-T.
Other names: c.583C>A, p.Leu195Met (NM_001126131.2); short protein forms L195M.
Identifiers: ClinVar variation 1486051 (VCV001486051.5), dbSNP rs997971133, ClinGen allele CA274565822.

ClinVar aggregate classification (germline): Uncertain significance (1 of 4 stars; one submission).

Conditions:
Progressive sclerosing poliodystrophy (MTDPS4A). Also called: Mitochondrial DNA depletion syndrome 4A (Alpers type); ALPERS PROGRESSIVE INFANTILE POLIODYSTROPHY; NEURONAL DEGENERATION OF CHILDHOOD WITH LIVER DISEASE, PROGRESSIVE; Mitochondrial DNA Depletion Syndrome 4A; Alpers-Huttenlocher Syndrome (AHS); Alpers Syndrome. Identifiers: Orphanet 726, MedGen C0205710, MONDO:0008758, OMIM 203700.

Allele frequency attached by ClinVar (database versions not stated): gnomAD 0.00001; TOPMed 0.00002.
gnomAD v4.1: 1 of 1,562,392 alleles (0.000064%); highest among the groups gnomAD compares: African/African-American, 0.0014%; no homozygotes.

Submission:

Labcorp Genetics (formerly Invitae), Labcorp
Classification: Uncertain significance for Progressive sclerosing poliodystrophy. Last evaluated: 2024-02-18. Review status: criteria provided, single submitter. Criteria: Invitae Variant Classification Sherloc (09022015). Collection method: clinical testing. Allele origin: germline.
Comment: This sequence change replaces leucine, which is neutral and non-polar, with methionine, which is neutral and non-polar, at codon 195 of the POLG protein (p.Leu195Met). This variant is not present in population databases (gnomAD no frequency). This variant has not been reported in the literature in individuals affected with POLG-related conditions. ClinVar contains an entry for this variant (Variation ID: 1486051). Advanced modeling of protein sequence and biophysical properties (such as structural, functional, and spatial information, amino acid conservation, physicochemical variation, residue mobility, and thermodynamic stability) performed at Invitae indicates that this missense variant is not expected to disrupt POLG protein function with a negative predictive value of 95%. In summary, the available evidence is currently insufficient to determine the role of this variant in disease. Therefore, it has been classified as a Variant of Uncertain Significance.